The following is an entry in ClinVar:

ClinVar aggregate classification (germline): Likely benign (1 of 4 stars; one submission).

Conditions:
SPTLC1-related disorder. Also called: SPTLC1-related condition.

Submission:

PreventionGenetics, part of Exact Sciences
Classification: Likely benign for SPTLC1-related condition. Last evaluated: 2025-02-24. Review status: criteria provided, single submitter. Criteria: ACMG Guidelines, 2015. Collection method: clinical testing. Allele origin: germline.
Comment: This variant is classified as likely benign based on ACMG/AMP sequence variant interpretation guidelines (Richards et al. 2015 PMID: 25741868, with internal and published modifications).

NM_006415.4(SPTLC1):c.*60C>T

Gene: SPTLC1 (serine palmitoyltransferase long chain base subunit 1; minus strand). Cytogenetic location: 9q22.31.
Variant type: single nucleotide variant.
Coding change: c.*60C>T on transcript NM_006415.4 (MANE Select); 60 bases downstream of the stop codon, C replaced by T.
Molecular consequence: 3 prime UTR variant. On other transcripts: missense variant (1).
Genome position (GRCh38, 1-based): chr9:92,032,405, G>A on the plus strand (C>T on the coding strand, the complement: SPTLC1 is on the minus strand). VCF-style: chr9-92032405-G-A. GRCh37 (hg19) VCF-style: chr9-94794687-G-A.
Other names: c.1450C>T, p.Arg484Cys (NM_001281303.2); c.*60C>T (NM_001368272.1, NM_001368273.1); short protein forms R484C.
Identifiers: ClinVar variation 4985256 (VCV004985256.1).